The following is an entry in ClinVar:

NM_001378454.1(ALMS1):c.8453_8814del (p.Thr2818fs)

Gene: ALMS1 (ALMS1 centrosome and basal body associated protein; plus strand). Cytogenetic location: 2p13.1.
Variant type: Deletion.
Coding change: c.8453_8814del on transcript NM_001378454.1 (MANE Select); coding-DNA positions 8453 to 8814, 362 bases deleted.
Protein change: p.Thr2818fs; shifts the reading frame from threonine 2818.
Molecular consequence: frameshift variant.
Genome position (GRCh38, 1-based): chr2:73,490,412-73,490,773, 362 bases deleted. GRCh37 (hg19): chr2:73,717,539-73,717,900.
Other names: c.8456_8817del, p.Thr2819fs (NM_015120.4); short protein forms T2819fs, T2818fs.
Identifiers: ClinVar variation 4718772 (VCV004718772.1).

ClinVar aggregate classification (germline): Pathogenic (1 of 4 stars; one submission).

Conditions:
Alstrom syndrome (ALMS). Identifiers: Orphanet 64, MedGen C0268425, MONDO:0008763, OMIM 203800.

Submission:

Labcorp Genetics (formerly Invitae), Labcorp
Classification: Pathogenic for Alstrom syndrome. Last evaluated: 2025-05-01. Review status: criteria provided, single submitter. Criteria: Invitae Variant Classification Sherloc (09022015). Collection method: clinical testing. Allele origin: germline.
Comment: This sequence change creates a premature translational stop signal (p.Thr2819Argfs*29) in the ALMS1 gene. It is expected to result in an absent or disrupted protein product. Loss-of-function variants in ALMS1 are known to be pathogenic (PMID: 17594715). This variant is not present in population databases (gnomAD no frequency). This premature translational stop signal has been observed in individual(s) with clinical features of Alström syndrome (PMID: 28432734). For these reasons, this variant has been classified as Pathogenic.

Literature cited by the submitters: PubMed 17594715; PubMed 28432734.